The following is an entry in ClinVar:

NM_000234.3(LIG1):c.-7C>T

Gene: LIG1 (DNA ligase 1; minus strand). Cytogenetic location: 19q13.33.
Variant type: single nucleotide variant.
Coding change: c.-7C>T on transcript NM_000234.3 (MANE Select); 7 bases upstream of the start codon, C replaced by T.
Molecular consequence: 5 prime UTR variant. On other transcripts: non-coding transcript variant (6).
Genome position (GRCh38, 1-based): chr19:48,165,573, G>A on the plus strand (C>T on the coding strand, the complement: LIG1 is on the minus strand). VCF-style: chr19-48165573-G-A. GRCh37 (hg19) VCF-style: chr19-48668830-G-A.
Other names: c.-7C>T (NM_001289063.2, NM_001289064.2, NM_001320970.2 and 1 more transcripts).
Identifiers: ClinVar variation 403039 (VCV000403039.8), dbSNP rs20579, ClinGen allele CA9547492.

ClinVar aggregate classification (germline): Benign. Review status: criteria provided, multiple submitters, no conflicts (2 of 4 stars). 4 submissions from 4 submitters: Benign (4). Last evaluated 2023-11-12.

Allele frequency attached by ClinVar (database versions not stated): gnomAD exomes 0.13323; ExAC 0.13555; gnomAD 0.16845 and 0.17185; 1000 Genomes Project 0.17312; 1000 Genomes Project 30x 0.17645; TOPMed 0.17963; ESP Exome Variant Server 0.18445.
gnomAD v4.1: 210,103 of 1,612,808 alleles (13%); highest among the groups gnomAD compares: African/African-American, 29%; 15,012 homozygotes.

Submissions (4):

Unidad de Genómica Garrahan, Hospital de Pediatría Garrahan
Classification: Benign. Last evaluated: 2023-11-12. Review status: criteria provided, single submitter. Criteria: ACMG Guidelines, 2015. Collection method: clinical testing. Allele origin: germline. Affected: no. Observed: 22 variant alleles.
Comment: This variant is classified as Benign based on local population frequency. This variant was detected in 23% of patients studied by a panel of primary immunodeficiencies. Number of patients: 22. Only high quality variants are reported.

Mayo Clinic Laboratories, Mayo Clinic
Classification: Benign. Last evaluated: 2022-09-06. Review status: criteria provided, single submitter. Criteria: ACMG Guidelines, 2015. Collection method: clinical testing. Allele origin: germline. Observed: 10 variant alleles.

Laboratory for Molecular Medicine, Mass General Brigham Personalized Medicine
Classification: Benign. Last evaluated: 2016-03-28. Review status: criteria provided, single submitter. Criteria: LMM Criteria. Collection method: clinical testing. Allele origin: germline.
Comment: Variant identified in a genome or exome case(s) and assessed due to predicted null impact of the variant or pathogenic assertions in the literature or databases. Disclaimer: This variant has not undergone full assessment. The following are preliminary notes: Frequency

Breakthrough Genomics
Classification: Benign. Review status: criteria provided, single submitter. Criteria: ACMG Guidelines, 2015. Collection method: not provided. Allele origin: germline. Inheritance: Autosomal recessive inheritance. Affected: yes.